The following is an entry in ClinVar:

ClinVar aggregate classification (germline): Uncertain significance (1 of 4 stars; one submission).

gnomAD v4.1: 4 of 1,613,972 alleles (0.00025%); highest among the groups gnomAD compares: African/African-American, 0.0053%; no homozygotes.

Submission:

Labcorp Genetics (formerly Invitae), Labcorp
Classification: Uncertain significance. Last evaluated: 2024-12-12. Review status: criteria provided, single submitter. Criteria: Invitae Variant Classification Sherloc (09022015). Collection method: clinical testing. Allele origin: germline.
Comment: This sequence change replaces glutamine, which is neutral and polar, with arginine, which is basic and polar, at codon 382 of the IRF4 protein (p.Gln382Arg). This variant is present in population databases (no rsID available, gnomAD 0.01%). This variant has not been reported in the literature in individuals affected with IRF4-related conditions. An algorithm developed to predict the effect of missense changes on protein structure and function (PolyPhen-2) suggests that this variant is likely to be tolerated. In summary, the available evidence is currently insufficient to determine the role of this variant in disease. Therefore, it has been classified as a Variant of Uncertain Significance.

NM_002460.4(IRF4):c.1145A>G (p.Gln382Arg)

Genes: IRF4 (interferon regulatory factor 4; plus strand), LOC129995575 (ATAC-STARR-seq lymphoblastoid active region 23845; plus strand). Cytogenetic location: 6p25.3.
Variant type: single nucleotide variant.
Coding change: c.1145A>G on transcript NM_002460.4 (MANE Select); coding-DNA position 1145, A replaced by G.
Protein change: p.Gln382Arg; replaces glutamine 382 with arginine.
Molecular consequence: missense variant. On other transcripts: non-coding transcript variant (1).
Genome position (GRCh38, 1-based): chr6:405,063, A>G. VCF-style: chr6-405063-A-G. GRCh37 (hg19) VCF-style: chr6-405063-A-G.
Other names: c.1142A>G, p.Gln381Arg (NM_001195286.2); short protein forms Q381R, Q382R.
Identifiers: ClinVar variation 3618589 (VCV003618589.2).